The following is an entry in ClinVar:

ClinVar aggregate classification (germline): Uncertain significance (1 of 4 stars; one submission).

Conditions:
Familial sleep-related hypermotor epilepsy. Also called: Autosomal Dominant Sleep-Related Hypermotor (Hyperkinetic) Epilepsy. Identifiers: Orphanet 98784, MedGen C3696898, MONDO:0000030.

Allele frequency attached by ClinVar (database versions not stated): gnomAD exomes below 0.00001.

Submission:

Labcorp Genetics (formerly Invitae), Labcorp
Classification: Uncertain significance. Last evaluated: 2025-10-24. Review status: criteria provided, single submitter. Criteria: Invitae Variant Classification Sherloc (09022015). Collection method: clinical testing. Allele origin: germline.
Comment: This sequence change replaces isoleucine, which is neutral and non-polar, with valine, which is neutral and non-polar, at codon 476 of the CHRNA2 protein (p.Ile476Val). This variant is not present in population databases (gnomAD no frequency). This variant has not been reported in the literature in individuals affected with CHRNA2-related conditions. ClinVar contains an entry for this variant (Variation ID: 934735). Invitae Evidence Modeling of protein sequence and biophysical properties (such as structural, functional, and spatial information, amino acid conservation, physicochemical variation, residue mobility, and thermodynamic stability) indicates that this missense variant is not expected to disrupt CHRNA2 protein function with a negative predictive value of 80%. In summary, the available evidence is currently insufficient to determine the role of this variant in disease. Therefore, it has been classified as a Variant of Uncertain Significance.

NM_000742.4(CHRNA2):c.1426A>G (p.Ile476Val)

Gene: CHRNA2 (cholinergic receptor nicotinic alpha 2 subunit; minus strand). Cytogenetic location: 8p21.2.
Variant type: single nucleotide variant.
Coding change: c.1426A>G on transcript NM_000742.4 (MANE Select); coding-DNA position 1426, A replaced by G.
Protein change: p.Ile476Val; replaces isoleucine 476 with valine.
Molecular consequence: missense variant.
Genome position (GRCh38, 1-based): chr8:27,463,017, T>C on the plus strand (A>G on the coding strand, the complement: CHRNA2 is on the minus strand). VCF-style: chr8-27463017-T-C. GRCh37 (hg19) VCF-style: chr8-27320534-T-C.
Other names: c.1381A>G, p.Ile461Val (NM_001282455.2); c.949A>G, p.Ile317Val (NM_001347705.2, NM_001347706.2); c.832A>G, p.Ile278Val (NM_001347707.2, NM_001347708.2); short protein forms I317V, I461V, I278V, I476V.
Identifiers: ClinVar variation 934735 (VCV000934735.6), dbSNP rs796052304, ClinGen allele CA370807837.